The following is an entry in ClinVar:

NM_002471.4(MYH6):c.4313A>G (p.Asn1438Ser)

Gene: MYH6 (myosin heavy chain 6; minus strand). Cytogenetic location: 14q11.2.
Variant type: single nucleotide variant.
Coding change: c.4313A>G on transcript NM_002471.4 (MANE Select); coding-DNA position 4313, A replaced by G.
Protein change: p.Asn1438Ser; replaces asparagine 1438 with serine.
Molecular consequence: missense variant.
Genome position (GRCh38, 1-based): chr14:23,388,201, T>C on the plus strand (A>G on the coding strand, the complement: MYH6 is on the minus strand). VCF-style: chr14-23388201-T-C. GRCh37 (hg19) VCF-style: chr14-23857410-T-C.
Other names: short protein forms N1438S.
Identifiers: ClinVar variation 537965 (VCV000537965.8), dbSNP rs745683537, ClinGen allele CA388998653.

ClinVar aggregate classification (germline): Uncertain significance (1 of 4 stars; one submission).

Conditions:
Hypertrophic cardiomyopathy 14. Identifiers: MedGen C2750467, MONDO:0013197, OMIM 613251.

Submission:

Labcorp Genetics (formerly Invitae), Labcorp
Classification: Uncertain significance for Hypertrophic cardiomyopathy 14. Last evaluated: 2017-08-18. Review status: criteria provided, single submitter. Criteria: Invitae Variant Classification Sherloc (09022015). Collection method: clinical testing. Allele origin: germline.
Comment: This sequence change replaces asparagine with serine at codon 1438 of the MYH6 protein (p.Asn1438Ser). The asparagine residue is weakly conserved and there is a small physicochemical difference between asparagine and serine. This variant is not present in population databases (ExAC no frequency). This variant has not been reported in the literature in individuals with MYH6-related disease. Algorithms developed to predict the effect of missense changes on protein structure and function do not agree on the potential impact of this missense change (SIFT: "Tolerated"; PolyPhen-2: "Possibly Damaging"; Align-GVGD: "Class C0"). In summary, the available evidence is currently insufficient to determine the role of this variant in disease. Therefore, it has been classified as a Variant of Uncertain Significance.